The following is an entry in ClinVar:

NM_001164508.2(NEB):c.5555T>C (p.Met1852Thr)

Gene: NEB (nebulin; minus strand). Cytogenetic location: 2q23.3.
Variant type: single nucleotide variant.
Coding change: c.5555T>C on transcript NM_001164508.2 (MANE Select); coding-DNA position 5555, T replaced by C.
Protein change: p.Met1852Thr; replaces methionine 1852 with threonine.
Molecular consequence: missense variant.
Genome position (GRCh38, 1-based): chr2:151,663,756, A>G on the plus strand (T>C on the coding strand, the complement: NEB is on the minus strand). VCF-style: chr2-151663756-A-G. GRCh37 (hg19) VCF-style: chr2-152520270-A-G.
Other names: c.5555T>C, p.Met1852Thr (NM_001164507.2, NM_001271208.2, NM_004543.5); short protein forms M1852T.
Identifiers: ClinVar variation 1479556 (VCV001479556.6), dbSNP rs144180493, ClinGen allele CA348808567.

ClinVar aggregate classification (germline): Uncertain significance (1 of 4 stars; one submission).

Conditions:
Nemaline myopathy 2 (NEM2). Also called: Nemaline myopathy 2, autosomal recessive. Identifiers: MedGen C1850569, MONDO:0009725, OMIM 256030.

Submission:

Labcorp Genetics (formerly Invitae), Labcorp
Classification: Uncertain significance for Nemaline myopathy 2. Last evaluated: 2021-09-29. Review status: criteria provided, single submitter. Criteria: Invitae Variant Classification Sherloc (09022015). Collection method: clinical testing. Allele origin: germline.
Comment: This sequence change replaces methionine with threonine at codon 1852 of the NEB protein (p.Met1852Thr). The methionine residue is moderately conserved and there is a moderate physicochemical difference between methionine and threonine. This variant is not present in population databases (ExAC no frequency). This variant has not been reported in the literature in individuals affected with NEB-related conditions. Algorithms developed to predict the effect of missense changes on protein structure and function are either unavailable or do not agree on the potential impact of this missense change (SIFT: "Deleterious"; PolyPhen-2: "Not Available"; Align-GVGD: "Class C0"). In summary, the available evidence is currently insufficient to determine the role of this variant in disease. Therefore, it has been classified as a Variant of Uncertain Significance.